The following is an entry in ClinVar:

ClinVar aggregate classification (germline): Likely pathogenic (1 of 4 stars; one submission).

Submission:

Mayo Clinic Laboratories, Mayo Clinic
Classification: Likely pathogenic. Last evaluated: 2020-09-29. Review status: criteria provided, single submitter. Criteria: ACMG Guidelines, 2015. Collection method: clinical testing. Allele origin: germline. Observed: 1 variant allele.
Comment: PVS1, PM2

NM_001355436.2(SPTB):c.3838del (p.Leu1280fs)

Gene: SPTB (spectrin beta, erythrocytic; minus strand). Cytogenetic location: 14q23.3.
Variant type: Deletion.
Coding change: c.3838del on transcript NM_001355436.2 (MANE Select); coding-DNA position 3838, one base deleted (C; older notation c.3838delC).
Protein change: p.Leu1280fs; shifts the reading frame from leucine 1280.
Molecular consequence: frameshift variant.
Genome position (GRCh38, 1-based): chr14:64,785,554, G deleted on the plus strand (C on the coding strand, the reverse complement: SPTB is on the minus strand); the first of 2 consecutive G bases (chr14:64,785,554-64,785,555); deleting either gives the same sequence. VCF-style (leftmost placement, unchanged base first): chr14-64785553-AG-A. GRCh37 (hg19) VCF-style: chr14-65252271-AG-A.
Other names: c.3838del, p.Leu1280fs (NM_001024858.4, NM_001355437.2); short protein forms L1280fs.
Identifiers: ClinVar variation 1163079 (VCV001163079.5), dbSNP rs2139560751, ClinGen allele CA2499222658.